The following is an entry in ClinVar:

NM_017780.4(CHD7):c.5404+2T>C

Gene: CHD7 (chromodomain helicase DNA binding protein 7; plus strand). Cytogenetic location: 8q12.2.
Variant type: single nucleotide variant.
Coding change: c.5404+2T>C on transcript NM_017780.4 (MANE Select); the canonical splice donor site of the intron after coding-DNA position 5404, T replaced by C.
Molecular consequence: splice donor variant. On other transcripts: intron variant (1).
Genome position (GRCh38, 1-based): chr8:60,849,156, T>C. VCF-style: chr8-60849156-T-C. GRCh37 (hg19) VCF-style: chr8-61761715-T-C.
Other names: c.1717-13073T>C (NM_001316690.1).
Identifiers: ClinVar variation 1977664 (VCV001977664.5), dbSNP rs2488004616, ClinGen allele CA371321363.

ClinVar aggregate classification (germline): Likely pathogenic (1 of 4 stars; one submission).

Conditions:
CHARGE syndrome (CHARGE). Also called: Hittner Hirsch Kreh syndrome; CHARGE ASSOCIATION--COLOBOMA, HEART ANOMALY, CHOANAL ATRESIA, RETARDATION, GENITAL AND EAR ANOMALIES; Coloboma, heart anomaly, choanal atresia, retardation, genital and ear anomalies; CHARGE association; Hall-Hittner syndrome. Identifiers: Orphanet 138, MedGen C0265354, MONDO:0008965.

Submission:

Labcorp Genetics (formerly Invitae), Labcorp
Classification: Likely pathogenic for CHARGE syndrome. Last evaluated: 2022-08-31. Review status: criteria provided, single submitter. Criteria: Invitae Variant Classification Sherloc (09022015). Collection method: clinical testing. Allele origin: germline.
Comment: In summary, the currently available evidence indicates that the variant is pathogenic, but additional data are needed to prove that conclusively. Therefore, this variant has been classified as Likely Pathogenic. This variant has not been reported in the literature in individuals affected with CHD7-related conditions. This variant is not present in population databases (gnomAD no frequency). This sequence change affects a donor splice site in intron 25 of the CHD7 gene. It is expected to disrupt RNA splicing. Variants that disrupt the donor or acceptor splice site typically lead to a loss of protein function (PMID: 16199547), and loss-of-function variants in CHD7 are known to be pathogenic (PMID: 22461308, 25077900).

Literature cited by the submitters: PubMed 16199547; PubMed 22461308; PubMed 25077900.